The following is an entry in ClinVar:

ClinVar aggregate classification (germline): Likely pathogenic (0 of 4 stars; one submission).

Conditions:
LTBP2-related disorder. Also called: LTBP2-related condition; LTBP2-related disorders.

Submission:

PreventionGenetics, part of Exact Sciences
Classification: Likely pathogenic for LTBP2-related condition. Last evaluated: 2024-06-28. Review status: no assertion criteria provided. Collection method: clinical testing. Allele origin: germline.
Comment: The LTBP2 c.5233_5249del17 variant is predicted to result in a frameshift and premature protein termination (p.Asn1745Argfs*8). To our knowledge, this variant has not been reported in the literature or in a large population database, indicating this variant is rare. Frameshift variants in LTBP2 are expected to be pathogenic. This variant is interpreted as likely pathogenic.

NM_000428.3(LTBP2):c.5233_5249del (p.Asn1745fs)

Gene: LTBP2 (latent transforming growth factor beta binding protein 2; minus strand). Cytogenetic location: 14q24.3.
Variant type: Deletion.
Coding change: c.5233_5249del on transcript NM_000428.3 (MANE Select); coding-DNA positions 5233 to 5249, 17 bases deleted (AATGGCCGCTGTGTGCG).
Protein change: p.Asn1745fs; shifts the reading frame from asparagine 1745.
Molecular consequence: frameshift variant.
Genome position (GRCh38, 1-based): chr14:74,501,512-74,501,528, CGCACACAGCGGCCATT deleted on the plus strand (AATGGCCGCTGTGTGCG on the coding strand, the reverse complement: LTBP2 is on the minus strand); deleting any 17 consecutive bases within chr14:74,501,512-74,501,529 gives the same sequence; the c. name uses the placement nearest the transcript's 3' end. VCF-style (leftmost placement, unchanged base first): chr14-74501511-GCGCACACAGCGGCCATT-G. GRCh37 (hg19) VCF-style: chr14-74968214-GCGCACACAGCGGCCATT-G.
Other names: short protein forms N1745fs.
Identifiers: ClinVar variation 2635386 (VCV002635386.2), dbSNP rs2506127645, ClinGen allele CA2575576852.